The following is an entry in ClinVar:

NM_000214.3(JAG1):c.872A>T (p.Gln291Leu)

Gene: JAG1 (jagged canonical Notch ligand 1; minus strand). Cytogenetic location: 20p12.2.
Variant type: single nucleotide variant.
Coding change: c.872A>T on transcript NM_000214.3 (MANE Select); coding-DNA position 872, A replaced by T.
Protein change: p.Gln291Leu; replaces glutamine 291 with leucine.
Molecular consequence: missense variant.
Genome position (GRCh38, 1-based): chr20:10,652,482, T>A on the plus strand (A>T on the coding strand, the complement: JAG1 is on the minus strand). VCF-style: chr20-10652482-T-A. GRCh37 (hg19) VCF-style: chr20-10633130-T-A.
Other names: short protein forms Q291L.
Identifiers: ClinVar variation 1386370 (VCV001386370.6), dbSNP rs2122614980, ClinGen allele CA408239223.
Genomic context (GRCh38, chr20:10,652,482, plus strand): 5'-TCCCACCCCCAGATCCCACCCTGGGTCTCATCCCTAAGGGCCATACCTTTGTCACAGAGC[T>A]GGCCGCCCCAGTTGGTCTCACAGAGGCACTGCCAGGGCTCATTACAGATGCCGTGGACGC-3'
Protein context (NP_000205.1, residues 281-301): QCLCETNWGG[Gln291Leu]LCDKDLNYCG

ClinVar aggregate classification (germline): Uncertain significance (1 of 4 stars; one submission).

Conditions:
Alagille syndrome due to a JAG1 point mutation. Also called: JAG1-Related Alagille Syndrome; HEPATIC DUCTULAR HYPOPLASIA, SYNDROMATIC; Alagille Syndrome 1. Identifiers: Orphanet 261619, Orphanet 52, MedGen C1956125, MONDO:0016862, OMIM 118450.

Submission:

Labcorp Genetics (formerly Invitae), Labcorp
Classification: Uncertain significance for Alagille syndrome due to a JAG1 point mutation. Last evaluated: 2023-07-10. Review status: criteria provided, single submitter. Criteria: Invitae Variant Classification Sherloc (09022015). Collection method: clinical testing. Allele origin: germline.
Comment: ClinVar contains an entry for this variant (Variation ID: 1386370). Advanced modeling of protein sequence and biophysical properties (such as structural, functional, and spatial information, amino acid conservation, physicochemical variation, residue mobility, and thermodynamic stability) performed at Invitae indicates that this missense variant is not expected to disrupt JAG1 protein function. This variant has not been reported in the literature in individuals affected with JAG1-related conditions. This sequence change replaces glutamine, which is neutral and polar, with leucine, which is neutral and non-polar, at codon 291 of the JAG1 protein (p.Gln291Leu). This variant is not present in population databases (gnomAD no frequency). In summary, the available evidence is currently insufficient to determine the role of this variant in disease. Therefore, it has been classified as a Variant of Uncertain Significance.